The following is an entry in ClinVar:

NM_024753.5(TTC21B):c.752T>G (p.Met251Arg)

Gene: TTC21B (tetratricopeptide repeat domain 21B; minus strand). Cytogenetic location: 2q24.3.
Variant type: single nucleotide variant.
Coding change: c.752T>G on transcript NM_024753.5 (MANE Select); coding-DNA position 752, T replaced by G.
Protein change: p.Met251Arg; replaces methionine 251 with arginine.
Molecular consequence: missense variant.
Genome position (GRCh38, 1-based): chr2:165,933,016, A>C on the plus strand (T>G on the coding strand, the complement: TTC21B is on the minus strand). VCF-style: chr2-165933016-A-C. GRCh37 (hg19) VCF-style: chr2-166789526-A-C.
Other names: short protein forms M251R.
Identifiers: ClinVar variation 2681763 (VCV002681763.2), dbSNP rs2468219408.

ClinVar aggregate classification (germline): Likely pathogenic (1 of 4 stars; one submission).

Conditions:
Nephronophthisis 12 (NPHP12). Identifiers: Orphanet 655, MedGen C3151186, MONDO:0013442, OMIM 613820.

Submission:

Precision Medicine Center, Zhengzhou University
Classification: Likely pathogenic for Nephronophthisis 12. Last evaluated: 2023-12-01. Review status: criteria provided, single submitter. Criteria: ACMG Guidelines, 2015. Collection method: clinical testing. Allele origin: paternal. Affected: yes.
Comment: PM2_p,PM3_strong,PP3,PP4

Literature cited by the submitters: PubMed 31208513.